The following is an entry in ClinVar:

ClinVar aggregate classification (germline): Uncertain significance. Review status: criteria provided, multiple submitters, no conflicts (2 of 4 stars). 2 submissions from 2 submitters: Uncertain significance (2). Last evaluated 2024-01-08.

Conditions:
Idiopathic generalized epilepsy. Also called: EIG; Generalised epilepsy. Identifiers: MedGen C0270850, MONDO:0005579, OMIM 600669.
Hyperaldosteronism, familial, type IV (HALD4). Also called: FH IV; ALDOSTERONISM, PRIMARY, AND HYPERTENSION. Identifiers: Orphanet 642671, MedGen C4310756, MONDO:0014875, OMIM 617027.
Epilepsy, childhood absence, susceptibility to, 6. Identifiers: Orphanet 64280, MedGen C2749872, MONDO:0012763, OMIM 611942.

Allele frequency attached by ClinVar (database versions not stated): TOPMed below 0.00001.
gnomAD v4.1: 1 of 1,602,022 alleles (0.000062%); no homozygotes.

Submissions (2):

Fulgent Genetics
Classification: Uncertain significance for Epilepsy, childhood absence, susceptibility to, 6; Hyperaldosteronism, familial, type IV. Last evaluated: 2024-01-08. Review status: criteria provided, single submitter. Criteria: ACMG Guidelines, 2015. Collection method: clinical testing. Allele origin: germline.

Labcorp Genetics (formerly Invitae), Labcorp
Classification: Uncertain significance for Idiopathic generalized epilepsy; Hyperaldosteronism, familial, type IV. Last evaluated: 2022-12-06. Review status: criteria provided, single submitter. Criteria: Invitae Variant Classification Sherloc (09022015). Collection method: clinical testing. Allele origin: germline.
Comment: This sequence change replaces proline, which is neutral and non-polar, with leucine, which is neutral and non-polar, at codon 1074 of the CACNA1H protein (p.Pro1074Leu). This variant is not present in population databases (gnomAD no frequency). This variant has not been reported in the literature in individuals affected with CACNA1H-related conditions. ClinVar contains an entry for this variant (Variation ID: 1346414). Advanced modeling of protein sequence and biophysical properties (such as structural, functional, and spatial information, amino acid conservation, physicochemical variation, residue mobility, and thermodynamic stability) performed at Invitae indicates that this missense variant is expected to disrupt CACNA1H protein function. In summary, the available evidence is currently insufficient to determine the role of this variant in disease. Therefore, it has been classified as a Variant of Uncertain Significance.

NM_021098.3(CACNA1H):c.3221C>T (p.Pro1074Leu)

Gene: CACNA1H (calcium voltage-gated channel subunit alpha1 H; plus strand). Cytogenetic location: 16p13.3.
Variant type: single nucleotide variant.
Coding change: c.3221C>T on transcript NM_021098.3 (MANE Select); coding-DNA position 3221, C replaced by T.
Protein change: p.Pro1074Leu; replaces proline 1074 with leucine.
Molecular consequence: missense variant.
Genome position (GRCh38, 1-based): chr16:1,208,079, C>T. VCF-style: chr16-1208079-C-T. GRCh37 (hg19) VCF-style: chr16-1258079-C-T.
Other names: c.3221C>T, p.Pro1074Leu (NM_001005407.2); short protein forms P1074L.
Identifiers: ClinVar variation 1346414 (VCV001346414.9), dbSNP rs1288170321, ClinGen allele CA394171914.
Genomic context (GRCh38, chr16:1,208,079, plus strand): 5'-AGATGTGTTCCCTGGCCGTGACCCCCAACGGGCACCTGGAGGGACGAGGCAGCCTGTCCC[C>T]TCCCCTCATCATGTGCACAGCTGCCACGCCCATGCCTACCCCCAAGAGCTCACCATTCCT-3'
Protein context (NP_066921.2, residues 1064-1084): GHLEGRGSLS[Pro1074Leu]PLIMCTAATP